The following is an entry in ClinVar:

ClinVar aggregate classification (germline): Likely benign (0 of 4 stars; one submission).

Conditions:
NNT-related disorder. Also called: NNT-related condition.

Allele frequency attached by ClinVar (database versions not stated): ExAC 0.00001; gnomAD 0.00001; TOPMed 0.00001; gnomAD exomes 0.00003.
gnomAD v4.1: 39 of 1,606,132 alleles (0.0024%); highest among the groups gnomAD compares: Non-Finnish European, 0.0031%; no homozygotes.

Submission:

PreventionGenetics, part of Exact Sciences
Classification: Likely benign for NNT-related condition. Last evaluated: 2020-06-16. Review status: no assertion criteria provided. Collection method: clinical testing. Allele origin: germline.
Comment: This variant is classified as likely benign based on ACMG/AMP sequence variant interpretation guidelines (Richards et al. 2015 PMID: 25741868, with internal and published modifications).

NM_182977.3(NNT):c.2775T>C (p.Asn925=)

Gene: NNT (nicotinamide nucleotide transhydrogenase; plus strand). Cytogenetic location: 5p12.
Variant type: single nucleotide variant.
Coding change: c.2775T>C on transcript NM_182977.3 (MANE Select); coding-DNA position 2775, T replaced by C.
Protein change: p.Asn925=; no amino-acid change (asparagine 925 retained).
Molecular consequence: synonymous variant.
Genome position (GRCh38, 1-based): chr5:43,675,651, T>C. VCF-style: chr5-43675651-T-C. GRCh37 (hg19) VCF-style: chr5-43675753-T-C.
Other names: c.2382T>C, p.Asn794= (NM_001331026.2); c.2775T>C, p.Asn925= (NM_012343.4).
Identifiers: ClinVar variation 3036481 (VCV003036481.2), dbSNP rs757592133, ClinGen allele CA3258315.